The following is an entry in ClinVar:

ClinVar aggregate classification (germline): Likely benign. Review status: reviewed by expert panel (3 of 4 stars). 2 submissions from 2 submitters: Likely benign (1). 1 of the submissions does not count toward it. Last evaluated 2017-06-29.

Conditions:
Hereditary breast ovarian cancer syndrome. Also called: Hereditary breast and ovarian cancer syndrome (HBOC); BRCA1- and BRCA2-Associated Hereditary Breast and Ovarian Cancer; Hereditary breast and/or ovarian cancer syndrome; Hereditary breast and ovarian cancer syndrome; Hereditary breast and ovarian cancer; Breast and ovarian cancer. Identifiers: Orphanet 145, MedGen C0677776, MeSH D061325, MONDO:0003582. Disease mechanism: loss of function.
Breast-ovarian cancer, familial, susceptibility to, 1 (BROVCA1). Also called: BRCA1 Hereditary Breast and Ovarian Cancer; OVARIAN CANCER, SUSCEPTIBILITY TO. Identifiers: Orphanet 145, MedGen C2676676, MONDO:0011450, OMIM 604370. Disease mechanism: loss of function.

Submissions (2):

Evidence-based Network for the Interpretation of Germline Mutant Alleles (ENIGMA)
Classification: Likely benign for Breast-ovarian cancer, familial, susceptibility to, 1. Last evaluated: 2017-06-29. Review status: reviewed by expert panel. Criteria: ENIGMA BRCA1/2 Classification Criteria (2017-06-29). Collection method: curation. Allele origin: germline.
Comment: Synonymous substitution variant, with low bioinformatic likelihood to result in a splicing aberration (Splicing prior probability 0.02).

Labcorp Genetics (formerly Invitae), Labcorp
Classification: Likely benign for Hereditary breast ovarian cancer syndrome. Last evaluated: 2024-02-02. Review status: criteria provided, single submitter. Criteria: Invitae Variant Classification Sherloc (09022015). Collection method: clinical testing. Allele origin: germline. Not counted in ClinVar's aggregate classification.

NM_007294.4(BRCA1):c.2523G>C (p.Arg841=)

Gene: BRCA1 (BRCA1 DNA repair associated; minus strand). Cytogenetic location: 17q21.31.
Variant type: single nucleotide variant.
Coding change: c.2523G>C on transcript NM_007294.4 (MANE Select); coding-DNA position 2523, G replaced by C.
Protein change: p.Arg841=; no amino-acid change (arginine 841 retained).
Molecular consequence: synonymous variant. On other transcripts: intron variant (137).
Genome position (GRCh38, 1-based): chr17:43,093,008, C>G on the plus strand (G>C on the coding strand, the complement: BRCA1 is on the minus strand). VCF-style: chr17-43093008-C-G. GRCh37 (hg19) VCF-style: chr17-41245025-C-G.
Other names: c.2310G>C, p.Arg770= (NM_001407571.1, NM_001407853.1, NM_001407894.1 and 9 more transcripts); c.2523G>C, p.Arg841= (NM_001407581.1, NM_001407582.1, NM_001407583.1 and 30 more transcripts); c.2520G>C, p.Arg840= (NM_001407587.1, NM_001407590.1, NM_001407591.1 and 22 more transcripts); c.2514G>C, p.Arg838= (NM_001407646.1, NM_001407647.1); c.2400G>C, p.Arg800= (NM_001407648.1, NM_001407664.1, NM_001407665.1 and 19 more transcripts); c.2397G>C, p.Arg799= (NM_001407649.1, NM_001407670.1, NM_001407671.1 and 11 more transcripts); c.2445G>C, p.Arg815= (NM_001407653.1, NM_001407654.1, NM_001407655.1 and 4 more transcripts); c.2442G>C, p.Arg814= (NM_001407659.1, NM_001407660.1, NM_001407661.1 and 1 more transcripts); and 41 more.
Identifiers: ClinVar variation 427248 (VCV000427248.12), dbSNP rs773013395, ClinGen allele CA500232440.